The following is an entry in ClinVar:

ClinVar aggregate classification (germline): Benign. Review status: criteria provided, multiple submitters, no conflicts (2 of 4 stars). 23 submissions from 16 submitters: Benign (19). 4 of the submissions do not count toward it. Last evaluated 2026-02-04.

Conditions:
Cardiovascular phenotype. Identifiers: MedGen CN230736.
Dilated cardiomyopathy 1G (CMD1G). Identifiers: Orphanet 154, MedGen C1858763, MONDO:0011400, OMIM 604145.
Autosomal recessive limb-girdle muscular dystrophy type 2J (LGMDR10). Also called: Limb-girdle muscular dystrophy, type 2J; MUSCULAR DYSTROPHY, LIMB-GIRDLE, AUTOSOMAL RECESSIVE 10. Identifiers: Orphanet 140922, MedGen C1837342, MONDO:0012127, OMIM 608807.
Early-onset myopathy with fatal cardiomyopathy (CMYO5). Also called: CONGENITAL MYOPATHY 5 WITH CARDIOMYOPATHY; Salih Myopathy. Identifiers: Orphanet 289377, MedGen C2673677, MONDO:0012714, OMIM 611705. Disease mechanism: loss of function.
Myopathy, myofibrillar, 9, with early respiratory failure (MFM9). Also called: MYOPATHY, PROXIMAL, WITH EARLY RESPIRATORY MUSCLE INVOLVEMENT; Myopathy, distal, with early respiratory failure, autosomal dominant; Hereditary myopathy with early respiratory failure; EDSTROM MYOPATHY. Identifiers: Orphanet 178464, Orphanet 34521, MedGen C1863599, MONDO:0011362, OMIM 603689.
Tibial muscular dystrophy (TMD). Also called: Tibial muscular dystrophy, tardive; UDD MYOPATHY; Udd Distal Myopathy – Tibial Muscular Dystrophy. Identifiers: Orphanet 609, MedGen C1838244, MONDO:0010870, OMIM 600334.

Allele frequency attached by ClinVar (database versions not stated): ESP Exome Variant Server 0.02442; gnomAD 0.03961 and 0.04459; gnomAD exomes 0.04518 and 0.07420; TOPMed 0.04565; ExAC 0.06803; 1000 Genomes Project 30x 0.07573; 1000 Genomes Project 0.07688.
gnomAD v4.1: 72,978 of 1,613,644 alleles (4.5%); highest among the groups gnomAD compares: Admixed American, 18%; 3,448 homozygotes.

Submissions (23):

Labcorp Genetics (formerly Invitae), Labcorp
Classification: Benign for Dilated cardiomyopathy 1G; Autosomal recessive limb-girdle muscular dystrophy type 2J. Last evaluated: 2026-02-04. Review status: criteria provided, single submitter. Criteria: Invitae Variant Classification Sherloc (09022015). Collection method: clinical testing. Allele origin: germline.

Molecular Diagnostic Laboratory for Inherited Cardiovascular Disease, Montreal Heart Institute
Classification: Benign. Last evaluated: 2025-04-09. Review status: criteria provided, single submitter. Criteria: ACMG Guidelines, 2015. Collection method: clinical testing. Allele origin: germline. Affected: no.
Comment: BA1

Genome-Nilou Lab
Classification: Benign for Autosomal recessive limb-girdle muscular dystrophy type 2J. Last evaluated: 2021-09-10. Review status: criteria provided, single submitter. Criteria: ACMG Guidelines, 2015. Collection method: clinical testing. Allele origin: germline. Affected: no.

Genome-Nilou Lab
Classification: Benign for Myopathy, myofibrillar, 9, with early respiratory failure. Last evaluated: 2021-09-10. Review status: criteria provided, single submitter. Criteria: ACMG Guidelines, 2015. Collection method: clinical testing. Allele origin: germline. Affected: no.

Genome-Nilou Lab
Classification: Benign for Early-onset myopathy with fatal cardiomyopathy. Last evaluated: 2021-09-10. Review status: criteria provided, single submitter. Criteria: ACMG Guidelines, 2015. Collection method: clinical testing. Allele origin: germline. Affected: no.

Genome-Nilou Lab
Classification: Benign for Tibial muscular dystrophy. Last evaluated: 2021-09-10. Review status: criteria provided, single submitter. Criteria: ACMG Guidelines, 2015. Collection method: clinical testing. Allele origin: germline. Affected: no.

Women's Health and Genetics/Laboratory Corporation of America, LabCorp
Classification: Benign. Last evaluated: 2019-10-30. Review status: criteria provided, single submitter. Criteria: LabCorp Variant Classification Summary - May 2015. Collection method: clinical testing. Allele origin: germline.
Comment: Variant summary: TTN c.91208G>A (p.Arg30403His) results in a non-conservative amino acid change located in the A-band of the encoded protein sequence. Four of five in-silico tools predict a damaging effect of the variant on protein function. The variant allele was found at a frequency of 0.074 in 248558 control chromosomes, predominantly at a frequency of 0.19 within the Latino subpopulation in the gnomAD database, including 672 homozygotes. The observed variant frequency within Latino control individuals in the gnomAD database is approximately 304-folds over the estimated maximal expected allele frequency for a pathogenic variant in TTN causing Cardiomyopathy phenotype (0.00063), strongly suggesting that the variant is a benign polymorphism found primarily in populations of Latino origin. A ClinVar submission (evaluation after 2014) cites the variant as likely benign. Based on the evidence outlined above, the variant was classified as benign.

Illumina Laboratory Services, Illumina
Classification: Benign for Dilated cardiomyopathy 1G. Last evaluated: 2018-01-13. Review status: criteria provided, single submitter. Criteria: ICSL Variant Classification Criteria 13 December 2019. Collection method: clinical testing. Allele origin: germline.
Comment: This variant was observed in the ICSL laboratory as part of a predisposition screen in an ostensibly healthy population. It had not been previously curated by ICSL or reported in the Human Gene Mutation Database (HGMD: prior to June 1st, 2018), and was therefore a candidate for classification through an automated scoring system. Utilizing variant allele frequency, disease prevalence and penetrance estimates, and inheritance mode, an automated score was calculated to assess if this variant is too frequent to cause the disease. Based on the score and internal cut-off values, a variant classified as benign is not then subjected to further curation. The score for this variant resulted in a classification of benign for this disease.

Illumina Laboratory Services, Illumina
Classification: Benign for Early-onset myopathy with fatal cardiomyopathy. Last evaluated: 2018-01-13. Review status: criteria provided, single submitter. Criteria: ICSL Variant Classification Criteria 13 December 2019. Collection method: clinical testing. Allele origin: germline.
Comment: the same text as in the submission from Illumina Laboratory Services, Illumina above.

Illumina Laboratory Services, Illumina
Classification: Benign for Autosomal recessive limb-girdle muscular dystrophy type 2J. Last evaluated: 2018-01-13. Review status: criteria provided, single submitter. Criteria: ICSL Variant Classification Criteria 13 December 2019. Collection method: clinical testing. Allele origin: germline.
Comment: the same text as in the submission from Illumina Laboratory Services, Illumina above.

Illumina Laboratory Services, Illumina
Classification: Benign for Myopathy, myofibrillar, 9, with early respiratory failure. Last evaluated: 2018-01-13. Review status: criteria provided, single submitter. Criteria: ICSL Variant Classification Criteria 13 December 2019. Collection method: clinical testing. Allele origin: germline.
Comment: the same text as in the submission from Illumina Laboratory Services, Illumina above.

Illumina Laboratory Services, Illumina
Classification: Benign for Tibial muscular dystrophy. Last evaluated: 2018-01-13. Review status: criteria provided, single submitter. Criteria: ICSL Variant Classification Criteria 13 December 2019. Collection method: clinical testing. Allele origin: germline.
Comment: the same text as in the submission from Illumina Laboratory Services, Illumina above.

Mayo Clinic Laboratories, Mayo Clinic
Classification: Benign. Last evaluated: 2017-08-24. Review status: criteria provided, single submitter. Criteria: ACMG Guidelines, 2015. Collection method: clinical testing. Allele origin: germline. Observed: 202 variant alleles.

Biesecker Lab/Clinical Genomics Section, National Institutes of Health
Classification: Benign. Last evaluated: 2013-06-24. Review status: criteria provided, single submitter. Criteria: Ng et al. (Circ Cardiovasc Genet. 2013). Collection method: research. Allele origin: unknown. Observed: 37 variant alleles. Study: ClinSeq.
Comment: The study set was not selected for affection status in relation to any cancer. Pathogenicity categories were based on literature curation. See Pubmed ID:23861362 for details.

Medical sequencing

Ambry Genetics
Classification: Benign for Cardiovascular phenotype. Last evaluated: 2013-01-14. Review status: criteria provided, single submitter. Criteria: Ambry Autosomal Dominant and X-Linked criteria (10/2015). Collection method: clinical testing. Allele origin: germline. Observed: 1 variant allele.

GeneDx
Classification: Benign. Last evaluated: 2012-10-16. Review status: criteria provided, single submitter. Criteria: GeneDx Variant Classification (06012015). Collection method: clinical testing. Allele origin: germline. Affected: yes.
Comment: This variant is considered likely benign or benign based on one or more of the following criteria: it is a conservative change, it occurs at a poorly conserved position in the protein, it is predicted to be benign by multiple in silico algorithms, and/or has population frequency not consistent with disease.

Laboratory for Molecular Medicine, Mass General Brigham Personalized Medicine
Classification: Benign. Last evaluated: 2011-09-27. Review status: criteria provided, single submitter. Criteria: LMM Criteria. Collection method: clinical testing. Allele origin: germline. Observed: 181 variant alleles.

Breakthrough Genomics
Classification: Benign. Review status: criteria provided, single submitter. Criteria: ACMG Guidelines, 2015. Collection method: not provided. Allele origin: germline. Inheritance: Autosomal recessive inheritance. Affected: yes.

PreventionGenetics, part of Exact Sciences
Classification: Benign. Review status: criteria provided, single submitter. Criteria: ACMG Guidelines, 2015. Collection method: clinical testing. Allele origin: germline.

Clinical Genetics, Academic Medical Center
Classification: Benign. Review status: no assertion criteria provided. Collection method: clinical testing. Allele origin: germline. Affected: yes. Study: VKGL Data-share Consensus. Not counted in ClinVar's aggregate classification.

Genetic Services Laboratory, University of Chicago
Classification: Likely benign for AllHighlyPenetrant. Review status: no assertion criteria provided. Collection method: clinical testing. Allele origin: germline. Not counted in ClinVar's aggregate classification.
Comment: Likely benign based on allele frequency in 1000 Genomes Project or ESP global frequency and its presence in a patient with a rare or unrelated disease phenotype. NOT Sanger confirmed.

Genome Diagnostics Laboratory, University Medical Center Utrecht
Classification: Benign. Review status: no assertion criteria provided. Collection method: clinical testing. Allele origin: germline. Affected: yes. Study: VKGL Data-share Consensus. Not counted in ClinVar's aggregate classification.

Joint Genome Diagnostic Labs from Nijmegen and Maastricht, Radboudumc and MUMC+
Classification: Benign. Review status: no assertion criteria provided. Collection method: clinical testing. Allele origin: germline. Affected: yes. Study: VKGL Data-share Consensus. Not counted in ClinVar's aggregate classification.

NM_001267550.2(TTN):c.98912G>A (p.Arg32971His)

Genes: TTN (titin; minus strand), TTN-AS1 (TTN antisense RNA 1; plus strand). Cytogenetic location: 2q31.2.
Variant type: single nucleotide variant.
Coding change: c.98912G>A on transcript NM_001267550.2 (MANE Select); coding-DNA position 98912, G replaced by A.
Protein change: p.Arg32971His; replaces arginine 32971 with histidine.
Molecular consequence: missense variant. On other transcripts: non-coding transcript variant (1).
Genome position (GRCh38, 1-based): chr2:178,539,023, C>T on the plus strand (G>A on the coding strand, the complement: TTN is on the minus strand). VCF-style: chr2-178539023-C-T. GRCh37 (hg19) VCF-style: chr2-179403750-C-T.
Other names: p.R30403H:CGC>CAC; c.71717G>A, p.Arg23906His (NM_003319.4); c.72092G>A, p.Arg24031His (NM_133432.3); c.72293G>A, p.Arg24098His (NM_133437.4); c.93989G>A, p.Arg31330His (NM_001256850.1); c.91208G>A, p.Arg30403His (NM_133378.4); short protein forms R32971H, R30403H, R31330H, R24031H, R24098H, R23906H.
Identifiers: ClinVar variation 47610 (VCV000047610.35), dbSNP rs4894028, ClinGen allele CA284184.